The following is an entry in ClinVar:

NM_000492.4(CFTR):c.1117-136_1117-132del

Gene: CFTR (CF transmembrane conductance regulator; plus strand). Cytogenetic location: 7q31.2.
Variant type: Microsatellite.
Coding change: c.1117-136_1117-132del on transcript NM_000492.4 (MANE Select); 136 bases into the intron before coding-DNA position 1117 through 132 bases into the intron before coding-DNA position 1117, 5 bases deleted (TTATT; older notation c.1117-136_1117-132delTTATT).
Molecular consequence: intron variant.
Genome position (GRCh38, 1-based): chr7:117,541,880-117,541,884, TTATT deleted; deleting any 5 consecutive bases within chr7:117,541,875-117,541,884 gives the same sequence; the c. name uses the placement nearest the transcript's 3' end. VCF-style (leftmost placement, unchanged base first): chr7-117541874-ATTATT-A. GRCh37 (hg19) VCF-style: chr7-117181928-ATTATT-A.
Identifiers: ClinVar variation 1722354 (VCV001722354.1), dbSNP rs1799057695, ClinGen allele CA1737334599.

ClinVar aggregate classification (germline): Uncertain significance (1 of 4 stars; one submission).

Submission:

Women's Health and Genetics/Laboratory Corporation of America, LabCorp
Classification: Uncertain significance. Last evaluated: 2022-09-29. Review status: criteria provided, single submitter. Criteria: LabCorp Variant Classification Summary - May 2015. Collection method: clinical testing. Allele origin: germline.
Comment: Variant summary: CFTR c.1117-136_1117-132delTTATT is located at a position not widely known to affect splicing. 2/4 computational tools predict the variant may abolish a cryptic 3' acceptor site, predicting no significant impact on normal splicing. However, these predictions have yet to be confirmed by functional studies. The variant was absent in 31324 control chromosomes (gnomAD). The available data on variant occurrences in the general population are insufficient to allow any conclusion about variant significance. To our knowledge, no occurrence of c.1117-136_1117-132delTTATT in individuals affected with Chronic Pancreatitis and no experimental evidence demonstrating its impact on protein function have been reported. No clinical diagnostic laboratories have submitted clinical-significance assessments for this variant to ClinVar after 2014. Based on the evidence outlined above, the variant was classified as uncertain significance.